The following is an entry in ClinVar:

ClinVar aggregate classification (germline): Likely benign. Review status: criteria provided, multiple submitters, no conflicts (2 of 4 stars). 5 submissions from 5 submitters: Likely benign (4). 1 of the submissions does not count toward it. Last evaluated 2025-07-16.

Conditions:
FANCA-related disorder. Also called: FANCA-related condition.
Fanconi anemia (FA). Also called: Fanconi's anemia. Identifiers: Orphanet 84, MedGen C0015625, MeSH D005199, MONDO:0019391.
Fanconi anemia complementation group A (FANCA). Also called: Fanconi anemia, group A; FANCA-Related Fanconi Anemia. Identifiers: Orphanet 84, MedGen C3469521, MONDO:0009215, OMIM 227650.

Allele frequency attached by ClinVar (database versions not stated): gnomAD 0.00001 and 0.00002; TOPMed 0.00003; gnomAD exomes 0.00007; ExAC 0.00009.
gnomAD v4.1: 61 of 1,613,966 alleles (0.0038%); highest among the groups gnomAD compares: South Asian, 0.046%; no homozygotes.

Submissions (5):

Labcorp Genetics (formerly Invitae), Labcorp
Classification: Likely benign for Fanconi anemia. Last evaluated: 2025-07-16. Review status: criteria provided, single submitter. Criteria: Invitae Variant Classification Sherloc (09022015). Collection method: clinical testing. Allele origin: germline.

Quest Diagnostics Nichols Institute San Juan Capistrano
Classification: Likely benign. Last evaluated: 2025-06-17. Review status: criteria provided, single submitter. Criteria: Quest Diagnostics criteria. Collection method: clinical testing. Allele origin: unknown.

Blueprint Genetics
Classification: Likely benign. Last evaluated: 2024-10-02. Review status: criteria provided, single submitter. Criteria: ACMG Guidelines, 2015. Collection method: clinical testing. Allele origin: germline.

KCCC/NGS Laboratory, Kuwait Cancer Control Center
Classification: Likely benign for Fanconi anemia complementation group A. Last evaluated: 2023-07-07. Review status: criteria provided, single submitter. Criteria: ACMG Guidelines, 2015. Collection method: clinical testing. Allele origin: germline. Affected: yes.

PreventionGenetics, part of Exact Sciences
Classification: Likely benign for FANCA-related condition. Last evaluated: 2022-11-02. Review status: no assertion criteria provided. Collection method: clinical testing. Allele origin: germline. Not counted in ClinVar's aggregate classification.
Comment: This variant is classified as likely benign based on ACMG/AMP sequence variant interpretation guidelines (Richards et al. 2015 PMID: 25741868, with internal and published modifications).

NM_000135.4(FANCA):c.2502G>A (p.Leu834=)

Gene: FANCA (FA complementation group A; minus strand). Cytogenetic location: 16q24.3.
Variant type: single nucleotide variant.
Coding change: c.2502G>A on transcript NM_000135.4 (MANE Select); coding-DNA position 2502, G replaced by A.
Protein change: p.Leu834=; no amino-acid change (leucine 834 retained).
Molecular consequence: synonymous variant.
Genome position (GRCh38, 1-based): chr16:89,769,839, C>T on the plus strand (G>A on the coding strand, the complement: FANCA is on the minus strand). VCF-style: chr16-89769839-C-T. GRCh37 (hg19) VCF-style: chr16-89836247-C-T.
Other names: c.2502G>A, p.Leu834= (NM_001286167.3); c.2502G>A (LRG_495t1, NM_000135.3).
Identifiers: ClinVar variation 456096 (VCV000456096.16), dbSNP rs770993950, ClinGen allele CA8251711.